The following is an entry in ClinVar:

NM_005632.3(CAPN15):c.471G>A (p.Thr157=)

Gene: CAPN15 (calpain 15; plus strand). Cytogenetic location: 16p13.3.
Variant type: single nucleotide variant.
Coding change: c.471G>A on transcript NM_005632.3 (MANE Select); coding-DNA position 471, G replaced by A.
Protein change: p.Thr157=; no amino-acid change (threonine 157 retained).
Molecular consequence: synonymous variant.
Genome position (GRCh38, 1-based): chr16:547,309, G>A. VCF-style: chr16-547309-G-A. GRCh37 (hg19) VCF-style: chr16-597309-G-A.
Identifiers: ClinVar variation 2645795 (VCV002645795.25), dbSNP rs369178350, ClinGen allele CA7778086.
Genomic context (GRCh38, chr16:547,309, plus strand): 5'-GGAGGGAGCGGCGGAGCCCAGAGGGGGCTGGGCGTGTCCGCGTTGCACGCTGCACAACAC[G>A]CCCGTGGCCAGCTCCTGCTCCGTCTGCGGGGGCCCACGCAGGCTCTCGCTGCCACGGATC-3'
Protein context (NP_005623.1, residues 147-167): WACPRCTLHN[Thr157=]PVASSCSVCG

ClinVar aggregate classification (germline): Likely benign. Review status: criteria provided, multiple submitters, no conflicts (2 of 4 stars). 2 submissions from 2 submitters: Likely benign (2). Last evaluated 2025-02-01.

Allele frequency attached by ClinVar (database versions not stated): 1000 Genomes Project 30x 0.00016; 1000 Genomes Project 0.00020; gnomAD 0.00047; ESP Exome Variant Server 0.00082; ExAC 0.00084.
gnomAD v4.1: 905 of 1,525,318 alleles (0.059%); highest among the groups gnomAD compares: Middle Eastern, 0.16%; 1 homozygote.

Submissions (2):

CeGaT Center for Human Genetics Tuebingen
Classification: Likely benign. Last evaluated: 2025-02-01. Review status: criteria provided, single submitter. Criteria: CeGaT Center For Human Genetics Tuebingen Variant Classification Criteria Version 2. Collection method: clinical testing. Allele origin: germline. Affected: yes. Observed: 2 variant alleles.
Comment: CAPN15: BP4, BP7

Blueprint Genetics
Classification: Likely benign. Last evaluated: 2024-10-09. Review status: criteria provided, single submitter. Criteria: ACMG Guidelines, 2015. Collection method: clinical testing. Allele origin: germline.